The following is an entry in ClinVar:

NM_000214.3(JAG1):c.190C>T (p.Arg64Cys)

Gene: JAG1 (jagged canonical Notch ligand 1; minus strand). Cytogenetic location: 20p12.2.
Variant type: single nucleotide variant.
Coding change: c.190C>T on transcript NM_000214.3 (MANE Select); coding-DNA position 190, C replaced by T.
Protein change: p.Arg64Cys; replaces arginine 64 with cysteine.
Molecular consequence: missense variant.
Genome position (GRCh38, 1-based): chr20:10,672,898, G>A on the plus strand (C>T on the coding strand, the complement: JAG1 is on the minus strand). VCF-style: chr20-10672898-G-A. GRCh37 (hg19) VCF-style: chr20-10653546-G-A.
Other names: short protein forms R64C.
Identifiers: ClinVar variation 1782477 (VCV001782477.2), dbSNP rs1424822533, ClinGen allele CA408243404.

ClinVar aggregate classification (germline): Uncertain significance (1 of 4 stars; one submission).

Conditions:
Cardiovascular phenotype. Identifiers: MedGen CN230736.

gnomAD v4.1: 1 of 1,613,204 alleles (0.000062%); highest among the groups gnomAD compares: Non-Finnish European, 0.000085%; no homozygotes.

Submission:

Ambry Genetics
Classification: Uncertain significance for Cardiovascular phenotype. Last evaluated: 2021-06-22. Review status: criteria provided, single submitter. Criteria: Ambry Variant Classification Scheme 2023. Collection method: clinical testing. Allele origin: germline.
Comment: The p.R64C variant (also known as c.190C>T), located in coding exon 2 of the JAG1 gene, results from a C to T substitution at nucleotide position 190. The arginine at codon 64 is replaced by cysteine, an amino acid with highly dissimilar properties. This amino acid position is conserved. In addition, this alteration is predicted to be deleterious by in silico analysis. Since supporting evidence is limited at this time, the clinical significance of this alteration remains unclear.